The following is an entry in ClinVar:

NM_021116.4(ADCY1):c.708G>A (p.Glu236=)

Gene: ADCY1 (adenylate cyclase 1; plus strand). Cytogenetic location: 7p12.3.
Variant type: single nucleotide variant.
Coding change: c.708G>A on transcript NM_021116.4 (MANE Select); coding-DNA position 708, G replaced by A.
Protein change: p.Glu236=; no amino-acid change (glutamic acid 236 retained).
Molecular consequence: synonymous variant.
Genome position (GRCh38, 1-based): chr7:45,592,827, G>A. VCF-style: chr7-45592827-G-A. GRCh37 (hg19) VCF-style: chr7-45632426-G-A.
Other names: c.33G>A, p.Glu11= (NM_001281768.2); c.708G>A (NM_021116.2).
Identifiers: ClinVar variation 3703092 (VCV003703092.3).

ClinVar aggregate classification (germline): Likely benign. Review status: criteria provided, multiple submitters, no conflicts (2 of 4 stars). 2 submissions from 2 submitters: Likely benign (2). Last evaluated 2026-08-10.

Conditions:
ADCY1-related disorder. Also called: ADCY1-related condition.

gnomAD v4.1: 32 of 1,614,242 alleles (0.002%); highest among the groups gnomAD compares: Admixed American, 0.037%; no homozygotes.

Submissions (2):

PreventionGenetics, part of Exact Sciences
Classification: Likely benign for ADCY1-related condition. Last evaluated: 2026-08-10. Review status: criteria provided, single submitter. Criteria: ACMG Guidelines, 2015. Collection method: clinical testing. Allele origin: germline.
Comment: This variant is classified as likely benign based on ACMG/AMP sequence variant interpretation guidelines (Richards et al. 2015 PMID: 25741868, with internal and published modifications).

Labcorp Genetics (formerly Invitae), Labcorp
Classification: Likely benign. Last evaluated: 2025-06-12. Review status: criteria provided, single submitter. Criteria: Invitae Variant Classification Sherloc (09022015). Collection method: clinical testing. Allele origin: germline.